The following is an entry in ClinVar:

NM_002519.3(NPAT):c.2693C>T (p.Thr898Ile)

Gene: NPAT (nuclear protein, coactivator of histone transcription; minus strand). Cytogenetic location: 11q22.3.
Variant type: single nucleotide variant.
Coding change: c.2693C>T on transcript NM_002519.3 (MANE Select); coding-DNA position 2693, C replaced by T.
Protein change: p.Thr898Ile; replaces threonine 898 with isoleucine.
Molecular consequence: missense variant.
Genome position (GRCh38, 1-based): chr11:108,172,291, G>A on the plus strand (C>T on the coding strand, the complement: NPAT is on the minus strand). VCF-style: chr11-108172291-G-A. GRCh37 (hg19) VCF-style: chr11-108043018-G-A.
Other names: c.2693C>T, p.Thr898Ile (NM_001321307.1); short protein forms T898I.
Identifiers: ClinVar variation 3300653 (VCV003300653.1).

ClinVar aggregate classification (germline): Uncertain significance (1 of 4 stars; one submission).

gnomAD v4.1: 5 of 1,614,172 alleles (0.00031%); highest among the groups gnomAD compares: South Asian, 0.0055%; no homozygotes.

Submission:

Ambry Genetics
Classification: Uncertain significance. Last evaluated: 2024-03-29. Review status: criteria provided, single submitter. Criteria: Ambry Variant Classification Scheme 2023. Collection method: clinical testing. Allele origin: germline.
Comment: The p.T898I variant (also known as c.2693C>T), located in coding exon 13 of the NPAT gene, results from a C to T substitution at nucleotide position 2693. The threonine at codon 898 is replaced by isoleucine, an amino acid with similar properties. This amino acid position is conserved. In addition, this alteration is predicted to be tolerated by in silico analysis. Based on the available evidence, the clinical significance of this alteration remains unclear.